The following is an entry in ClinVar:

NM_000312.4(PROC):c.1218G>A (p.Met406Ile)

Gene: PROC (protein C, inactivator of coagulation factors Va and VIIIa; plus strand). Cytogenetic location: 2q14.3.
Variant type: single nucleotide variant.
Coding change: c.1218G>A on transcript NM_000312.4 (MANE Select); coding-DNA position 1218, G replaced by A.
Protein change: p.Met406Ile; replaces methionine 406 with isoleucine.
Molecular consequence: missense variant.
Genome position (GRCh38, 1-based): chr2:127,428,778, G>A. VCF-style: chr2-127428778-G-A. GRCh37 (hg19) VCF-style: chr2-128186354-G-A.
Other names: c.1281G>A, p.Met427Ile (NM_001375604.1); c.1320G>A, p.Met440Ile (NM_001375605.1); c.1386G>A, p.Met462Ile (NM_001375606.1); c.1404G>A, p.Met468Ile (NM_001375607.1); c.1161G>A, p.Met387Ile (NM_001375608.1); c.1194G>A, p.Met398Ile (NM_001375609.1); c.1212G>A, p.Met404Ile (NM_001375610.1); c.1218G>A, p.Met406Ile (NM_001375611.1, NM_001375613.1); and 2 more; short protein forms M398I, M427I, M440I, M462I, M468I, M461I, M404I, M387I.
Identifiers: ClinVar variation 1427775 (VCV001427775.11), dbSNP rs780456728, ClinGen allele CA1859548.

ClinVar aggregate classification (germline): Pathogenic. Review status: criteria provided, multiple submitters, no conflicts (2 of 4 stars). 3 submissions from 3 submitters: Pathogenic (3). Last evaluated 2023-10-25.

Conditions:
Thrombophilia due to protein C deficiency, autosomal recessive. Also called: PROC DEFICIENCY, AUTOSOMAL RECESSIVE; PROTEIN C DEFICIENCY, AUTOSOMAL RECESSIVE. Identifiers: Orphanet 745, MedGen C2676759, MONDO:0012860, OMIM 612304.
Thrombophilia due to protein C deficiency, autosomal dominant. Also called: PROC DEFICIENCY, AUTOSOMAL DOMINANT; PROTEIN C DEFICIENCY, AUTOSOMAL DOMINANT. Identifiers: Orphanet 745, MedGen C2674321, MONDO:0008316, OMIM 176860. Disease mechanism: loss of function.

Allele frequency attached by ClinVar (database versions not stated): gnomAD exomes below 0.00001 and 0.00001; TOPMed below 0.00001; gnomAD 0.00001; ExAC 0.00003.

Submissions (3):

3billion
Classification: Pathogenic for Thrombophilia due to protein C deficiency, autosomal dominant. Last evaluated: 2023-10-25. Review status: criteria provided, single submitter. Criteria: ACMG Guidelines, 2015. Collection method: clinical testing. Allele origin: germline. Affected: yes.
Comment: The variant is observed at an extremely low frequency in the gnomAD v2.1.1 dataset (total allele frequency: <0.001%). Predicted Consequence/Location: Missense variant In silico tool predictions suggest damaging effect of the variant on gene or gene product [REVEL: 0.78 (>=0.6, sensitivity 0.68 and specificity 0.92); 3Cnet: 0.73 (>=0.6, sensitivity 0.72 and precision 0.9)]. Same nucleotide change resulting in same amino acid change has been previously reported to be associated with PROC related disorder (ClinVar ID: VCV001427775 /PMID: 8165644). The variant has been observed in multiple (>3) similarly affected unrelated individuals (PMID: 24028705, 24162787, 24300144, 8165644). A different missense change at the same codon (p.Met406Val) has been reported as pathogenic/likely pathogenic with strong evidence (ClinVar ID: VCV000546154). Therefore, this variant is classified as Pathogenic according to the recommendation of ACMG/AMP guideline.

Labcorp Genetics (formerly Invitae), Labcorp
Classification: Pathogenic for Thrombophilia due to protein C deficiency, autosomal dominant. Last evaluated: 2022-05-01. Review status: criteria provided, single submitter. Criteria: Invitae Variant Classification Sherloc (09022015). Collection method: clinical testing. Allele origin: germline.
Comment: For these reasons, this variant has been classified as Pathogenic. Algorithms developed to predict the effect of missense changes on protein structure and function are either unavailable or do not agree on the potential impact of this missense change (SIFT: "Deleterious"; PolyPhen-2: "Probably Damaging"; Align-GVGD: "Class C0"). This missense change has been observed in individuals with protein C deficiency disease (PMID: 8165644, 24028705, 24162787, 24300144). It has also been observed to segregate with disease in related individuals. This variant is present in population databases (rs780456728, gnomAD 0.02%). This sequence change replaces methionine, which is neutral and non-polar, with isoleucine, which is neutral and non-polar, at codon 406 of the PROC protein (p.Met406Ile).

Juno Genomics, Hangzhou Juno Genomics, Inc
Classification: Pathogenic for Thrombophilia due to protein C deficiency, autosomal dominant; Thrombophilia due to protein C deficiency, autosomal recessive. Review status: criteria provided, single submitter. Criteria: ACMG Guidelines, 2015. Collection method: clinical testing. Allele origin: germline.
Comment: Absent from controls (or at extremely low frequency if recessive) in Genome Aggregation Database.;Multiple lines of computational evidence support a deleterious effect on the gene or gene product.;The prevalence of the variant in affected individuals is significantly increased compared to the prevalence in controls.;Co-segregation with disease in multiple affected family members.;For recessive disorders, detected in trans with a pathogenic variant.;Patient's phenotype or family history is highly specific for a disease with a single genetic etiology.

Literature cited by the submitters: PubMed 24162787 (cited by 3billion and Labcorp Genetics (formerly Invitae), Labcorp); PubMed 8165644 (cited by 3billion and Labcorp Genetics (formerly Invitae), Labcorp); PubMed 24300144 (cited by 3billion and Labcorp Genetics (formerly Invitae), Labcorp); PubMed 24028705 (cited by 3billion and Labcorp Genetics (formerly Invitae), Labcorp).